The following is an entry in ClinVar:

ClinVar aggregate classification (germline): Uncertain significance (1 of 4 stars; one submission).

Conditions:
Primary familial hypertrophic cardiomyopathy (HCM). Identifiers: Orphanet 99739, MedGen C0949658, MeSH D024741, MONDO:0024573. Inheritance: Various modes of inheritance.

Allele frequency attached by ClinVar (database versions not stated): gnomAD exomes below 0.00001; TOPMed 0.00001.
gnomAD v4.1: 6 of 1,612,750 alleles (0.00037%); highest among the groups gnomAD compares: Non-Finnish European, 0.00042%; no homozygotes.

Submission:

Labcorp Genetics (formerly Invitae), Labcorp
Classification: Uncertain significance for Primary familial hypertrophic cardiomyopathy. Last evaluated: 2020-05-20. Review status: criteria provided, single submitter. Criteria: Invitae Variant Classification Sherloc (09022015). Collection method: clinical testing. Allele origin: germline.
Comment: Algorithms developed to predict the effect of sequence changes on RNA splicing suggest that this variant may disrupt the consensus splice site, but this prediction has not been confirmed by published transcriptional studies. In summary, the available evidence is currently insufficient to determine the role of this variant in disease. Therefore, it has been classified as a Variant of Uncertain Significance. This variant has not been reported in the literature in individuals with ILK-related conditions. This variant is not present in population databases (ExAC no frequency). This sequence change falls in intron 3 of the ILK gene. It does not directly change the encoded amino acid sequence of the ILK protein.

NM_004517.4(ILK):c.256-7G>A

Genes: ILK (integrin linked kinase; plus strand), TAF10 (TATA-box binding protein associated factor 10; minus strand). Cytogenetic location: 11p15.4.
Variant type: single nucleotide variant.
Coding change: c.256-7G>A on transcript NM_004517.4 (MANE Select); 7 bases into the intron before coding-DNA position 256, G replaced by A.
Molecular consequence: intron variant. On other transcripts: 3 prime UTR variant (1).
Genome position (GRCh38, 1-based): chr11:6,608,387, G>A. VCF-style: chr11-6608387-G-A. GRCh37 (hg19) VCF-style: chr11-6629617-G-A.
Other names: c.*2535C>T (NM_006284.4); c.256-7G>A (NM_001014795.3, NM_001278441.2, NM_001014794.3); c.-147-7G>A (NM_001278442.2).
Identifiers: ClinVar variation 1034721 (VCV001034721.9), dbSNP rs1405710988, ClinGen allele CA679356037.